The following is an entry in ClinVar:

ClinVar aggregate classification (germline): Uncertain significance (1 of 4 stars; one submission).

Conditions:
Charcot-Marie-Tooth disease type 2. Also called: Charcot-Marie-Tooth type 2. Identifiers: Orphanet 64746, MedGen C0270914, MONDO:0018993.

Submission:

Labcorp Genetics (formerly Invitae), Labcorp
Classification: Uncertain significance for Charcot-Marie-Tooth disease type 2. Last evaluated: 2019-11-05. Review status: criteria provided, single submitter. Criteria: Invitae Variant Classification Sherloc (09022015). Collection method: clinical testing. Allele origin: germline.
Comment: In summary, the available evidence is currently insufficient to determine the role of this variant in disease. Therefore, it has been classified as a Variant of Uncertain Significance. Nucleotide substitutions within the consensus splice site are a relatively common cause of aberrant splicing (PMID: 17576681, 9536098). Algorithms developed to predict the effect of sequence changes on RNA splicing suggest that this variant may disrupt the consensus splice site, but this prediction has not been confirmed by published transcriptional studies. This variant has not been reported in the literature in individuals with AARS-related conditions. This variant is not present in population databases (ExAC no frequency). This sequence change falls in intron 18 of the AARS gene. It does not directly change the encoded amino acid sequence of the AARS protein, but it affects a nucleotide within the consensus splice site of the intron.

Literature cited by the submitters: PubMed 17576681; PubMed 9536098.

NM_001605.3(AARS1):c.2521-4_2521-3delinsAA

Gene: AARS1 (alanyl-tRNA synthetase 1; minus strand). Cytogenetic location: 16q22.1.
Variant type: Indel.
Coding change: c.2521-4_2521-3delinsAA on transcript NM_001605.3 (MANE Select); 4 bases into the intron before coding-DNA position 2521 through 3 bases into the intron before coding-DNA position 2521, GC replaced by AA.
Molecular consequence: intron variant.
Genome position (GRCh38, 1-based): chr16:70,253,803-70,253,804, GC replaced by TT on the plus strand (GC replaced by AA on the coding strand, the reverse complement: AARS1 is on the minus strand). VCF-style: chr16-70253803-GC-TT. GRCh37 (hg19) VCF-style: chr16-70287706-GC-TT.
Identifiers: ClinVar variation 962351 (VCV000962351.9), dbSNP rs1959908890, ClinGen allele CA1139664811.
Genomic context (GRCh38, chr16:70,253,803, plus strand): 5'-GGATGACAAGAGGCTGGTTGGGGTTGCTGTCGATGAACTGCTTCGTCTTCTCTAACACCT[GC>TT]AAGAAAAAAGTCCAGAACAGCAGCTCAGACCAAAAGCCCAGGCCCCGAACCCCTGGCTGT-3'